The following is an entry in ClinVar:

NM_020975.6(RET):c.1879+1del

Gene: RET (ret proto-oncogene; plus strand). Cytogenetic location: 10q11.21.
Variant type: Deletion.
Coding change: c.1879+1del on transcript NM_020975.6 (MANE Select); the canonical splice donor site of the intron after coding-DNA position 1879, one base deleted (G; older notation c.1879+1delG).
Molecular consequence: splice donor variant. On other transcripts: intron variant (2).
Genome position (GRCh38, 1-based): chr10:43,113,676, G deleted; the last of 3 consecutive G bases (chr10:43,113,674-43,113,676); deleting any one gives the same sequence. VCF-style (leftmost placement, unchanged base first): chr10-43113673-AG-A. GRCh37 (hg19) VCF-style: chr10-43609121-AG-A.
Other names: c.1879+1del (NM_020630.7, NM_001406743.1, NM_001406744.1 and 4 more transcripts); c.1483+1del (NM_001406772.1, NM_001406769.1); c.1441+1del (NM_001406773.1, NM_001406771.1); c.982+1del (NM_001406782.1, NM_001406780.1, NM_001406779.1 and 2 more transcripts); c.862+713del (NM_001406785.1); c.1750+1del (NM_001406764.1, NM_001406762.1, NM_001406761.1 and 1 more transcripts); c.1354+1del (NM_001406774.1); c.853+1del (NM_001406786.1, NM_001406783.1); and 7 more.
Identifiers: ClinVar variation 2231143 (VCV002231143.2), dbSNP rs2538484349, ClinGen allele CA2580081705.

ClinVar aggregate classification (germline): Likely pathogenic (1 of 4 stars; one submission).

Conditions:
Hereditary cancer-predisposing syndrome. Also called: Neoplastic Syndromes, Hereditary; Tumor predisposition; Hereditary Cancer Syndrome; Hereditary neoplastic syndrome. Identifiers: Orphanet 140162, MedGen C0027672, MeSH D009386, MONDO:0015356.

Submission:

Ambry Genetics
Classification: Likely pathogenic for Hereditary cancer-predisposing syndrome. Last evaluated: 2021-05-19. Review status: criteria provided, single submitter. Criteria: Ambry Variant Classification Scheme 2023. Collection method: clinical testing. Allele origin: germline.
Comment: The c.1879+1delG variant results from a deletion of one nucleotide at position c.1879+1 and involves the canonical splice donor site after coding exon 10 of the RET gene. Alterations that disrupt the canonical splice site are expected to cause aberrant splicing, resulting in an abnormal protein or a transcript that is subject to nonsense-mediated mRNA decay. Based on the supporting evidence, this alteration is pathogenic for Hirschsprung disease; however, the association of this alteration with MEN2 is unlikely. Based on data from the Genome Aggregation Database (gnomAD), the RET c.1879+1delG alteration was not observed, with coverage at this position. In silico splice site analysis predicts that this alteration will weaken the native splice donor site and will result in the creation or strengthening of a novel splice donor site. Based on the available evidence, this alteration is classified as likely pathogenic.